The following is an entry in ClinVar:

NM_001042492.3(NF1):c.400C>T (p.Leu134Phe)

Gene: NF1 (neurofibromin 1; plus strand). Cytogenetic location: 17q11.2.
Variant type: single nucleotide variant.
Coding change: c.400C>T on transcript NM_001042492.3 (MANE Select); coding-DNA position 400, C replaced by T.
Protein change: p.Leu134Phe; replaces leucine 134 with phenylalanine.
Molecular consequence: missense variant.
Genome position (GRCh38, 1-based): chr17:31,163,297, C>T. VCF-style: chr17-31163297-C-T. GRCh37 (hg19) VCF-style: chr17-29490315-C-T.
Other names: c.400C>T, p.Leu134Phe (NM_000267.4, NM_001128147.3); short protein forms L134F.
Identifiers: ClinVar variation 4860931 (VCV004860931.1).

ClinVar aggregate classification (germline): Uncertain significance (1 of 4 stars; one submission).

Conditions:
Cardiovascular phenotype. Identifiers: MedGen CN230736.
Hereditary cancer-predisposing syndrome. Also called: Neoplastic Syndromes, Hereditary; Tumor predisposition; Hereditary Cancer Syndrome; Hereditary neoplastic syndrome. Identifiers: Orphanet 140162, MedGen C0027672, MeSH D009386, MONDO:0015356.

Submission:

Ambry Genetics
Classification: Uncertain significance for Cardiovascular phenotype; Hereditary cancer-predisposing syndrome. Last evaluated: 2026-04-22. Review status: criteria provided, single submitter. Criteria: Ambry Variant Classification Scheme 2023. Collection method: clinical testing. Allele origin: germline.
Comment: The p.L134F variant (also known as c.400C>T), located in coding exon 4 of the NF1 gene, results from a C to T substitution at nucleotide position 400. The leucine at codon 134 is replaced by phenylalanine, an amino acid with highly similar properties. This amino acid position is highly conserved in available vertebrate species. In addition, the in silico prediction for this alteration is inconclusive. Based on the available evidence, the clinical significance of this variant remains unclear.